The following is an entry in ClinVar:

NM_001378615.1(CC2D2A):c.2310G>C (p.Val770=)

Genes: CC2D2A (coiled-coil and C2 domain containing 2A; plus strand), FBXL5 (F-box and leucine rich repeat protein 5; minus strand). Cytogenetic location: 4p15.32.
Variant type: single nucleotide variant.
Coding change: c.2310G>C on transcript NM_001378615.1 (MANE Select); coding-DNA position 2310, G replaced by C.
Protein change: p.Val770=; no amino-acid change (valine 770 retained).
Molecular consequence: synonymous variant.
Genome position (GRCh38, 1-based): chr4:15,550,952, G>C. VCF-style: chr4-15550952-G-C. GRCh37 (hg19) VCF-style: chr4-15552575-G-C.
Other names: c.2310G>C, p.Val770= (NM_001080522.2); c.2163G>C, p.Val721= (NM_001378617.1).
Identifiers: ClinVar variation 1159831 (VCV001159831.11), dbSNP rs751676654, ClinGen allele CA2863884.

ClinVar aggregate classification (germline): Likely benign. Review status: criteria provided, single submitter (1 of 4 stars). 2 submissions from 2 submitters: Likely benign (1). 1 of the submissions does not count toward it. Last evaluated 2026-01-19.

Conditions:
Joubert syndrome. Also called: JOUBERT-BOLTSHAUSER SYNDROME; Familial aplasia of the vermis. Identifiers: Orphanet 475, MedGen C5979921, MONDO:0018772.
Meckel-Gruber syndrome. Also called: DYSENCEPHALIA SPLANCHNOCYSTICA; GRUBER SYNDROME; Dysencephalia splachnocystica. Identifiers: Orphanet 564, MedGen C0265215, MONDO:0018921.
CC2D2A-related disorder. Also called: CC2D2A-related disorders; CC2D2A-related condition. Identifiers: MedGen CN239313.

Allele frequency attached by ClinVar (database versions not stated): gnomAD exomes 0.00001 and 0.00004; ExAC 0.00002; gnomAD 0.00002; TOPMed 0.00004.
gnomAD v4.1: 17 of 1,602,054 alleles (0.0011%); highest among the groups gnomAD compares: Admixed American, 0.028%; no homozygotes.

Submissions (2):

Labcorp Genetics (formerly Invitae), Labcorp
Classification: Likely benign for Joubert syndrome; Meckel-Gruber syndrome. Last evaluated: 2026-01-19. Review status: criteria provided, single submitter. Criteria: Invitae Variant Classification Sherloc (09022015). Collection method: clinical testing. Allele origin: germline.

PreventionGenetics, part of Exact Sciences
Classification: Likely benign for CC2D2A-related condition. Last evaluated: 2023-02-06. Review status: no assertion criteria provided. Collection method: clinical testing. Allele origin: germline. Not counted in ClinVar's aggregate classification.
Comment: This variant is classified as likely benign based on ACMG/AMP sequence variant interpretation guidelines (Richards et al. 2015 PMID: 25741868, with internal and published modifications).